The following is an entry in ClinVar:

NM_001876.4(CPT1A):c.2125G>A (p.Gly709Arg)

Gene: CPT1A (carnitine palmitoyltransferase 1A; minus strand). Cytogenetic location: 11q13.3.
Variant type: single nucleotide variant.
Coding change: c.2125G>A on transcript NM_001876.4 (MANE Select); coding-DNA position 2125, G replaced by A.
Protein change: p.Gly709Arg; replaces glycine 709 with arginine.
Molecular consequence: missense variant.
Genome position (GRCh38, 1-based): chr11:68,760,242, C>T on the plus strand (G>A on the coding strand, the complement: CPT1A is on the minus strand). VCF-style: chr11-68760242-C-T. GRCh37 (hg19) VCF-style: chr11-68527710-C-T.
Other names: c.2125G>A, p.Gly709Arg (NM_001031847.3); short protein forms G709R.
Identifiers: ClinVar variation 2176267 (VCV002176267.1), dbSNP rs769194681, ClinGen allele CA223365908.

ClinVar aggregate classification (germline): Uncertain significance (1 of 4 stars; one submission).

Conditions:
Carnitine palmitoyl transferase 1A deficiency. Also called: CPT I DEFICIENCY; CPT DEFICIENCY, HEPATIC, TYPE I; Carnitine palmitoyltransferase type I deficiency; Carnitine palmitoyltransferase 1A deficiency; CPT deficiency, hepatic, type IA. Identifiers: Orphanet 156, MedGen C1829703, MONDO:0009705, OMIM 255120.

Allele frequency attached by ClinVar (database versions not stated): TOPMed below 0.00001; gnomAD exomes 0.00001.
gnomAD v4.1: 17 of 1,610,442 alleles (0.0011%); highest among the groups gnomAD compares: South Asian, 0.0022%; no homozygotes.

Submission:

Labcorp Genetics (formerly Invitae), Labcorp
Classification: Uncertain significance for Carnitine palmitoyl transferase 1A deficiency. Last evaluated: 2022-01-17. Review status: criteria provided, single submitter. Criteria: Invitae Variant Classification Sherloc (09022015). Collection method: clinical testing. Allele origin: germline.
Comment: This sequence change replaces glycine, which is neutral and non-polar, with arginine, which is basic and polar, at codon 709 of the CPT1A protein (p.Gly709Arg). This variant is not present in population databases (gnomAD no frequency). This variant has not been reported in the literature in individuals affected with CPT1A-related conditions. Algorithms developed to predict the effect of missense changes on protein structure and function are either unavailable or do not agree on the potential impact of this missense change (SIFT: "Deleterious"; PolyPhen-2: "Probably Damaging"; Align-GVGD: "Class C15"). In summary, the available evidence is currently insufficient to determine the role of this variant in disease. Therefore, it has been classified as a Variant of Uncertain Significance.